The following is an entry in ClinVar:

NM_181332.3(NLGN4X):c.608A>G (p.Tyr203Cys)

Gene: NLGN4X (neuroligin 4 X-linked; minus strand). Cytogenetic location: Xp22.32.
Variant type: single nucleotide variant.
Coding change: c.608A>G on transcript NM_181332.3 (MANE Select); coding-DNA position 608, A replaced by G.
Protein change: p.Tyr203Cys; replaces tyrosine 203 with cysteine.
Molecular consequence: missense variant.
Genome position (GRCh38, 1-based): chrX:6,029,297, T>C on the plus strand (A>G on the coding strand, the complement: NLGN4X is on the minus strand). VCF-style: chrX-6029297-T-C. GRCh37 (hg19) VCF-style: chrX-5947338-T-C.
Other names: c.608A>G, p.Tyr203Cys (NM_001282145.2, NM_001282146.2, NM_020742.4); short protein forms Y203C.
Identifiers: ClinVar variation 1329667 (VCV001329667.2), dbSNP rs2147218869, ClinGen allele CA412014307.
Genomic context (GRCh38, chrX:6,029,297, plus strand): 5'-ATGTTTCCTCTTGCTCAGTCATTCACATGATGAAATCACTTACCTAGTATTCCCAGACGG[T>C]AGTTAATGGTGATCACGATGACGTTTCCGTAGCTTGCCAAAATGCTGCCGTCAATCATGT-3'
Protein context (NP_851849.1, residues 193-213): YGNVIVITIN[Tyr203Cys]RLGILGFLST

ClinVar aggregate classification (germline): Uncertain significance (1 of 4 stars; one submission).

Submission:

GeneDx
Classification: Uncertain significance. Last evaluated: 2021-06-18. Review status: criteria provided, single submitter. Criteria: GeneDx Variant Classification Process June 2021. Collection method: clinical testing. Allele origin: germline. Affected: yes.
Comment: Not observed at significant frequency in large population cohorts (Lek et al., 2016); In silico analysis supports that this missense variant has a deleterious effect on protein structure/function; Has not been previously published as pathogenic or benign to our knowledge; This variant is associated with the following publications: (PMID: 27535533)